The following is an entry in ClinVar:

NM_015046.7(SETX):c.1658C>T (p.Ser553Phe)

Gene: SETX (senataxin; minus strand). Cytogenetic location: 9q34.13.
Variant type: single nucleotide variant.
Coding change: c.1658C>T on transcript NM_015046.7 (MANE Select); coding-DNA position 1658, C replaced by T.
Protein change: p.Ser553Phe; replaces serine 553 with phenylalanine.
Molecular consequence: missense variant.
Genome position (GRCh38, 1-based): chr9:132,329,940, G>A on the plus strand (C>T on the coding strand, the complement: SETX is on the minus strand). VCF-style: chr9-132329940-G-A. GRCh37 (hg19) VCF-style: chr9-135205327-G-A.
Other names: c.1658C>T, p.Ser553Phe (NM_001351527.2, NM_001351528.2); short protein forms S553F.
Identifiers: ClinVar variation 812050 (VCV000812050.10), dbSNP rs1589747116, ClinGen allele CA375339521.

ClinVar aggregate classification (germline): Uncertain significance. Review status: criteria provided, single submitter (1 of 4 stars). 3 submissions from 3 submitters: Uncertain significance (1). 2 of the submissions do not count toward it. Last evaluated 2019-06-17.

Submissions (3):

ARUP Laboratories, Molecular Genetics and Genomics, ARUP Laboratories
Classification: Uncertain significance. Last evaluated: 2019-06-17. Review status: criteria provided, single submitter. Criteria: ARUP Molecular Germline Variant Investigation Process. Collection method: clinical testing. Allele origin: germline.
Comment: The SETX c.1658C>T, p.Ser553Phe variant has been previously observed as a part of a complex insertion/deletion variant in a patient with distal and proximal muscle weakness and electrophysiology consistent with axonal polyneuropathy (Lassuthova 2016). This variant is absent from general population databases (Exome Variant Server, Genome Aggregation Database), indicating it is not a common polymorphism. The serine at position 553 is weakly conserved and computational analyses of the effects of the p.Ser553Phe variant on protein structure and function is deleterious (SIFT: damaging, PolyPhen-2: possibly damaging). Altogether, there is not enough evidence to classify the p.Ser553Phe variant with certainty.

Clinical Genetics, Academic Medical Center
Classification: Uncertain significance. Review status: no assertion criteria provided. Collection method: clinical testing. Allele origin: germline. Affected: yes. Study: VKGL Data-share Consensus. Not counted in ClinVar's aggregate classification.

Laboratory of Diagnostic Genome Analysis, Leiden University Medical Center (LUMC)
Classification: Uncertain significance. Review status: no assertion criteria provided. Collection method: clinical testing. Allele origin: germline. Affected: yes. Study: VKGL Data-share Consensus. Not counted in ClinVar's aggregate classification.